The following is an entry in ClinVar:

ClinVar aggregate classification (germline): Uncertain significance. Review status: criteria provided, multiple submitters, no conflicts (2 of 4 stars). 3 submissions from 3 submitters: Uncertain significance (3). Last evaluated 2024-03-01.

Conditions:
Hereditary cancer-predisposing syndrome. Also called: Neoplastic Syndromes, Hereditary; Hereditary Cancer Syndrome; Tumor predisposition; Hereditary neoplastic syndrome. Identifiers: Orphanet 140162, MedGen C0027672, MeSH D009386, MONDO:0015356.
Familial cancer of breast. Also called: BREAST CANCER, FAMILIAL; hereditary breast carcinoma; Hereditary breast cancer. Identifiers: Orphanet 227535, MedGen C0346153, MONDO:0016419, OMIM 114480. Disease mechanism: loss of function.
Ataxia-telangiectasia syndrome (AT). Also called: Ataxia-telangiectasia, complementation group D; AT, COMPLEMENTATION GROUP C; Ataxia-telangiectasia; ATAXIA-TELANGIECTASIA, COMPLEMENTATION GROUP A; ATAXIA-TELANGIECTASIA, FRESNO VARIANT; Ataxia-telangiectasia, complementation group E. Identifiers: Orphanet 100, MedGen C0004135, MONDO:0008840, OMIM 208900.

Submissions (3):

Ambry Genetics
Classification: Uncertain significance for Hereditary cancer-predisposing syndrome. Last evaluated: 2024-03-01. Review status: criteria provided, single submitter. Criteria: Ambry Variant Classification Scheme 2023. Collection method: clinical testing. Allele origin: germline.
Comment: The p.G2644R variant (also known as c.7930G>C), located in coding exon 53 of the ATM gene, results from a G to C substitution at nucleotide position 7930. The glycine at codon 2644 is replaced by arginine, an amino acid with dissimilar properties. This alteration was not observed in 7051 unselected female breast cancer patients or in 53 unselected male breast cancer patients and was absent in 11241 female controls of Japanese ancestry, but was detected in 1/12490 male controls of Japanese ancestry (Momozawa Y et al. Nat Commun, 2018 Oct;9:4083). This amino acid position is not well conserved in available vertebrate species. In addition, the in silico prediction for this alteration is inconclusive. Based on the available evidence, the clinical significance of this alteration remains unclear.

Baylor Genetics
Classification: Uncertain significance for Familial cancer of breast. Last evaluated: 2023-10-22. Review status: criteria provided, single submitter. Criteria: ACMG Guidelines, 2015. Collection method: clinical testing. Allele origin: unknown.

Labcorp Genetics (formerly Invitae), Labcorp
Classification: Uncertain significance for Ataxia-telangiectasia syndrome. Last evaluated: 2021-12-24. Review status: criteria provided, single submitter. Criteria: Invitae Variant Classification Sherloc (09022015). Collection method: clinical testing. Allele origin: germline.
Comment: This sequence change replaces glycine, which is neutral and non-polar, with arginine, which is basic and polar, at codon 2644 of the ATM protein (p.Gly2644Arg). This variant is not present in population databases (gnomAD no frequency). This variant has not been reported in the literature in individuals affected with ATM-related conditions. ClinVar contains an entry for this variant (Variation ID: 141638). Algorithms developed to predict the effect of missense changes on protein structure and function (SIFT, PolyPhen-2, Align-GVGD) all suggest that this variant is likely to be tolerated. In summary, the available evidence is currently insufficient to determine the role of this variant in disease. Therefore, it has been classified as a Variant of Uncertain Significance.

Literature cited by the submitters: PubMed 30287823 (cited by Ambry Genetics).

NM_000051.4(ATM):c.7930G>C (p.Gly2644Arg)

Genes: ATM (ATM serine/threonine kinase; plus strand), C11orf65 (chromosome 11 open reading frame 65; minus strand). Cytogenetic location: 11q22.3.
Variant type: single nucleotide variant.
Coding change: c.7930G>C on transcript NM_000051.4 (MANE Select); coding-DNA position 7930, G replaced by C.
Protein change: p.Gly2644Arg; replaces glycine 2644 with arginine.
Molecular consequence: missense variant. On other transcripts: intron variant (2).
Genome position (GRCh38, 1-based): chr11:108,333,888, G>C. VCF-style: chr11-108333888-G-C. GRCh37 (hg19) VCF-style: chr11-108204615-G-C.
Other names: c.7930G>C, p.Gly2644Arg (NM_001351834.2); c.641-24817C>G (NM_001330368.2); c.*38+1332C>G (NM_001351110.2); short protein forms G2644R.
Identifiers: ClinVar variation 141638 (VCV000141638.14), dbSNP rs587781897, ClinGen allele CA166002.